The following is an entry in ClinVar:

ClinVar aggregate classification (germline): Benign/Likely benign. Review status: criteria provided, multiple submitters, no conflicts (2 of 4 stars). 5 submissions from 5 submitters: Benign (1); Likely benign (4). Last evaluated 2026-01-26.

Conditions:
Hereditary cancer-predisposing syndrome. Also called: Tumor predisposition; Neoplastic Syndromes, Hereditary; Hereditary Cancer Syndrome; Hereditary neoplastic syndrome. Identifiers: Orphanet 140162, MedGen C0027672, MeSH D009386, MONDO:0015356.
Familial cancer of breast. Also called: BREAST CANCER, FAMILIAL; hereditary breast carcinoma; Hereditary breast cancer. Identifiers: Orphanet 227535, MedGen C0346153, MONDO:0016419, OMIM 114480. Disease mechanism: loss of function.
Ataxia-telangiectasia syndrome (AT). Also called: Ataxia-telangiectasia; Ataxia-telangiectasia, complementation group D; AT, COMPLEMENTATION GROUP C; LOUIS-BAR SYNDROME; Cerebello-oculocutaneous telangiectasia; Immunodeficiency with ataxia telangiectasia. Identifiers: Orphanet 100, MedGen C0004135, MONDO:0008840, OMIM 208900.

Allele frequency attached by ClinVar (database versions not stated): TOPMed 0.00001.

Submissions (5):

Labcorp Genetics (formerly Invitae), Labcorp
Classification: Likely benign for Ataxia-telangiectasia syndrome. Last evaluated: 2026-01-26. Review status: criteria provided, single submitter. Criteria: Invitae Variant Classification Sherloc (09022015). Collection method: clinical testing. Allele origin: germline.

Myriad Genetics, Inc.
Classification: Benign for Familial cancer of breast. Last evaluated: 2024-05-08. Review status: criteria provided, single submitter. Criteria: Myriad Autosomal Dominant, Autosomal Recessive and X-Linked Classification Criteria (2023). Collection method: clinical testing. Allele origin: unknown.
Comment: This variant is considered benign. This variant is a silent/synonymous amino acid change and it is not expected to impact splicing.

Women's Health and Genetics/Laboratory Corporation of America, LabCorp
Classification: Likely benign. Last evaluated: 2019-08-21. Review status: criteria provided, single submitter. Criteria: LabCorp Variant Classification Summary - May 2015. Collection method: clinical testing. Allele origin: germline.

Ambry Genetics
Classification: Likely benign for Hereditary cancer-predisposing syndrome. Last evaluated: 2019-08-12. Review status: criteria provided, single submitter. Criteria: Ambry Variant Classification Scheme 2023. Collection method: clinical testing. Allele origin: germline.

Color Diagnostics, LLC DBA Color Health
Classification: Likely benign for Hereditary cancer-predisposing syndrome. Last evaluated: 2017-06-20. Review status: criteria provided, single submitter. Criteria: ACMG Guidelines, 2015. Collection method: clinical testing. Allele origin: germline.

NM_000051.4(ATM):c.2355T>C (p.Arg785=)

Gene: ATM (ATM serine/threonine kinase; plus strand). Cytogenetic location: 11q22.3.
Variant type: single nucleotide variant.
Coding change: c.2355T>C on transcript NM_000051.4 (MANE Select); coding-DNA position 2355, T replaced by C.
Protein change: p.Arg785=; no amino-acid change (arginine 785 retained).
Molecular consequence: synonymous variant.
Genome position (GRCh38, 1-based): chr11:108,257,585, T>C. VCF-style: chr11-108257585-T-C. GRCh37 (hg19) VCF-style: chr11-108128312-T-C.
Other names: c.2355T>C, p.Arg785= (NM_001351834.2).
Identifiers: ClinVar variation 490467 (VCV000490467.20), dbSNP rs1555075801, ClinGen allele CA476672756.
Genomic context (GRCh38, chr11:108,257,585, plus strand): 5'-TAAGACAAATGAGGAATTCAGAATTGGTTCCTTGAGAAATATGATGCAGCTATGTACACG[T>C]TGCTTGAGCAACTGTACCAAGGTAAGATTTTCTTCTTCTTGTTTTGTTTTTTGAGATAGG-3'
Protein context (NP_000042.3, residues 775-795): SLRNMMQLCT[Arg785=]CLSNCTKKSP